The following is an entry in ClinVar:

ClinVar aggregate classification (germline): Uncertain significance (1 of 4 stars; one submission).

Submission:

Labcorp Genetics (formerly Invitae), Labcorp
Classification: Uncertain significance. Last evaluated: 2025-05-19. Review status: criteria provided, single submitter. Criteria: Invitae Variant Classification Sherloc (09022015). Collection method: clinical testing. Allele origin: germline.
Comment: This sequence change replaces tyrosine, which is neutral and polar, with histidine, which is basic and polar, at codon 1051 of the ADAMTSL4 protein (p.Tyr1051His). This variant is not present in population databases (gnomAD no frequency). This variant has not been reported in the literature in individuals affected with ADAMTSL4-related conditions. Invitae Evidence Modeling of protein sequence and biophysical properties (such as structural, functional, and spatial information, amino acid conservation, physicochemical variation, residue mobility, and thermodynamic stability) has been performed for this missense variant. However, the output from this modeling did not meet the statistical confidence thresholds required to predict the impact of this variant on ADAMTSL4 protein function. In summary, the available evidence is currently insufficient to determine the role of this variant in disease. Therefore, it has been classified as a Variant of Uncertain Significance.

NM_019032.6(ADAMTSL4):c.3151T>C (p.Tyr1051His)

Gene: ADAMTSL4 (ADAMTS like 4; plus strand). Cytogenetic location: 1q21.2.
Variant type: single nucleotide variant.
Coding change: c.3151T>C on transcript NM_019032.6 (MANE Select); coding-DNA position 3151, T replaced by C.
Protein change: p.Tyr1051His; replaces tyrosine 1051 with histidine.
Molecular consequence: missense variant.
Genome position (GRCh38, 1-based): chr1:150,560,122, T>C. VCF-style: chr1-150560122-T-C. GRCh37 (hg19) VCF-style: chr1-150532598-T-C.
Other names: c.3034T>C, p.Tyr1012His (NM_001288607.2); c.3220T>C, p.Tyr1074His (NM_001288608.2); c.3151T>C, p.Tyr1051His (NM_001378596.1); short protein forms Y1051H, Y1074H, Y1012H.
Identifiers: ClinVar variation 4778557 (VCV004778557.1).